The following is an entry in ClinVar:

ClinVar aggregate classification (germline): Likely benign (0 of 4 stars; one submission).

Conditions:
DHX57-related disorder. Also called: DHX57-related condition.

Allele frequency attached by ClinVar (database versions not stated): 1000 Genomes Project 30x 0.00016; 1000 Genomes Project 0.00020; ESP Exome Variant Server 0.00069; TOPMed 0.00095; ExAC 0.00116; gnomAD 0.00125; gnomAD exomes 0.00128.
gnomAD v4.1: 2,049 of 1,614,074 alleles (0.13%); highest among the groups gnomAD compares: Non-Finnish European, 0.14%; 5 homozygotes.

Submission:

PreventionGenetics, part of Exact Sciences
Classification: Likely benign for DHX57-related condition. Last evaluated: 2023-04-08. Review status: no assertion criteria provided. Collection method: clinical testing. Allele origin: germline.
Comment: This variant is classified as likely benign based on ACMG/AMP sequence variant interpretation guidelines (Richards et al. 2015 PMID: 25741868, with internal and published modifications).

NM_198963.3(DHX57):c.1835G>A (p.Arg612His)

Gene: DHX57 (DExH-box helicase 57; minus strand). Cytogenetic location: 2p22.1.
Variant type: single nucleotide variant.
Coding change: c.1835G>A on transcript NM_198963.3 (MANE Select); coding-DNA position 1835, G replaced by A.
Protein change: p.Arg612His; replaces arginine 612 with histidine.
Molecular consequence: missense variant.
Genome position (GRCh38, 1-based): chr2:38,855,127, C>T on the plus strand (G>A on the coding strand, the complement: DHX57 is on the minus strand). VCF-style: chr2-38855127-C-T. GRCh37 (hg19) VCF-style: chr2-39082269-C-T.
Other names: c.1529G>A, p.Arg510His (NM_001329963.1); short protein forms R510H, R612H.
Identifiers: ClinVar variation 3046135 (VCV003046135.2), dbSNP rs141054985, ClinGen allele CA1623153.
Genomic context (GRCh38, chr2:38,855,127, plus strand): 5'-TCTAACCGAATCTGGTATCCCACGGTCAGACCCACCCTCTCTGCTCTTTCTTTAGCAACG[C>T]GTTCAGCAACAGAGATTGCAGAGATTCGTCGGGGTTGGGTACAGATGATGTTGGCTACCT-3'
Protein context (NP_945314.1, residues 602-622): RRISAISVAE[Arg612His]VAKERAERVG